The following is an entry in ClinVar:

NM_198407.2(GHSR):c.*792G>C

Gene: GHSR (growth hormone secretagogue receptor; minus strand). Cytogenetic location: 3q26.31.
Variant type: single nucleotide variant.
Coding change: c.*792G>C on transcript NM_198407.2 (MANE Select); 792 bases downstream of the stop codon, G replaced by C.
Molecular consequence: 3 prime UTR variant.
Genome position (GRCh38, 1-based): chr3:172,444,369, C>G on the plus strand (G>C on the coding strand, the complement: GHSR is on the minus strand). VCF-style: chr3-172444369-C-G. GRCh37 (hg19) VCF-style: chr3-172162159-C-G.
Identifiers: ClinVar variation 344190 (VCV000344190.5), dbSNP rs9880652, ClinGen allele CA10617723.

ClinVar aggregate classification (germline): Benign (1 of 4 stars; one submission).

Conditions:
Short stature due to growth hormone secretagogue receptor deficiency (GHDP). Also called: Short stature due to GHSR deficiency. Identifiers: Orphanet 314811, MedGen C5887324, MONDO:0014403, OMIM 615925.

Allele frequency attached by ClinVar (database versions not stated): 1000 Genomes Project 0.04253; 1000 Genomes Project 30x 0.04435; gnomAD 0.04677 and 0.04804; TOPMed 0.04967.
gnomAD v4.1: 7,068 of 152,106 alleles (4.6%); highest among the groups gnomAD compares: African/African-American, 10%; 292 homozygotes.

Submission:

Illumina Laboratory Services, Illumina
Classification: Benign for Short stature due to growth hormone secretagogue receptor deficiency. Last evaluated: 2018-01-13. Review status: criteria provided, single submitter. Criteria: ICSL Variant Classification Criteria 13 December 2019. Collection method: clinical testing. Allele origin: germline.
Comment: This variant was observed in the ICSL laboratory as part of a predisposition screen in an ostensibly healthy population. It had not been previously curated by ICSL or reported in the Human Gene Mutation Database (HGMD: prior to June 1st, 2018), and was therefore a candidate for classification through an automated scoring system. Utilizing variant allele frequency, disease prevalence and penetrance estimates, and inheritance mode, an automated score was calculated to assess if this variant is too frequent to cause the disease. Based on the score and internal cut-off values, a variant classified as benign is not then subjected to further curation. The score for this variant resulted in a classification of benign for this disease.